The following is an entry in ClinVar:

NM_001099857.5(IKBKG):c.1171G>T (p.Glu391Ter)

Gene: IKBKG (inhibitor of nuclear factor kappa B kinase regulatory subunit gamma; plus strand). Cytogenetic location: Xq28.
Variant type: single nucleotide variant.
Coding change: c.1171G>T on transcript NM_001099857.5 (MANE Select); coding-DNA position 1171, G replaced by T.
Protein change: p.Glu391Ter; replaces glutamic acid 391 with a stop codon.
Molecular consequence: nonsense. On other transcripts: non-coding transcript variant (1).
Genome position (GRCh38, 1-based): chrX:154,564,372, G>T. VCF-style: chrX-154564372-G-T. GRCh37 (hg19) VCF-style: chrX-153792587-G-T.
Other names: c.1375G>T, p.Glu459Ter (NM_001099856.6); c.874G>T, p.Glu292Ter (NM_001145255.4); c.1171G>T, p.Glu391Ter (NM_001321396.3, NM_001377312.1, NM_003639.4); c.1168G>T, p.Glu390Ter (NM_001321397.3, NM_001377313.1); c.1015G>T, p.Glu339Ter (NM_001377314.1); c.802G>T, p.Glu268Ter (NM_001377315.1); short protein forms E391*, E459*, E292*, E390*, E268*, E339*.
Identifiers: ClinVar variation 11453 (VCV000011453.5), dbSNP rs137853324, ClinGen allele CA121470.

ClinVar aggregate classification (germline): Pathogenic. Review status: criteria provided, single submitter (1 of 4 stars). 2 submissions from 2 submitters: Pathogenic (1). 1 of the submissions does not count toward it. Last evaluated 2019-10-30.

Conditions:
Ectodermal dysplasia and immunodeficiency 1 (EDAID1). Also called: Hyper-IgM immunodeficiency, X-linked, with hypohidrotic ectodermal dysplasia; ECTODERMAL DYSPLASIA AND IMMUNE DEFICIENCY 1; ECTODERMAL DYSPLASIA, ANHIDROTIC, WITH IMMUNE DEFICIENCY. Identifiers: Orphanet 238468, Orphanet 98813, MedGen C1846008, MONDO:0020740, OMIM 300291.

Submissions (2):

GeneDx
Classification: Pathogenic. Last evaluated: 2019-10-30. Review status: criteria provided, single submitter. Criteria: GeneDx Variant Classification Process June 2021. Collection method: clinical testing. Allele origin: germline. Affected: yes.
Comment: Nonsense variant in the C-terminus predicted to result in protein truncation, as the last 28 amino acids are lost, and other loss-of-function variants have been reported downstream in the Human Gene Mutation Database (Stenson et al., 2014); Not observed in large population cohorts (Lek et al., 2016); This variant is associated with the following publications: (PMID: 15661019, 18851874, 26230867, 18350553, 19375390, 21309033, 11047757, 26802121, 26740240)

OMIM
Classification: Pathogenic for ECTODERMAL DYSPLASIA AND IMMUNODEFICIENCY 1. Last evaluated: 2000-12-01. Review status: no assertion criteria provided. Collection method: literature only. Allele origin: germline. Not counted in ClinVar's aggregate classification.

Literature cited by the submitters: PubMed 11047757 (cited by OMIM).